The following is an entry in ClinVar:

NM_022893.4(BCL11A):c.2147C>A (p.Thr716Lys)

Gene: BCL11A (BCL11 transcription factor A; minus strand). Cytogenetic location: 2p16.1.
Variant type: single nucleotide variant.
Coding change: c.2147C>A on transcript NM_022893.4 (MANE Select); coding-DNA position 2147, C replaced by A.
Protein change: p.Thr716Lys; replaces threonine 716 with lysine.
Molecular consequence: missense variant. On other transcripts: intron variant (6).
Genome position (GRCh38, 1-based): chr2:60,460,765, G>T on the plus strand (C>A on the coding strand, the complement: BCL11A is on the minus strand). VCF-style: chr2-60460765-G-T. GRCh37 (hg19) VCF-style: chr2-60687900-G-T.
Other names: c.2045C>A, p.Thr682Lys (NM_001363864.1, NM_001365609.1, NM_001405711.1 and 2 more transcripts); c.2147C>A, p.Thr716Lys (NM_001405708.1, NM_001405709.1, NM_001405710.1 and 1 more transcripts); c.1991C>A, p.Thr664Lys (NM_001405713.1, NM_001405714.1, NM_001405715.1 and 3 more transcripts); c.1889C>A, p.Thr630Lys (NM_001405717.1, NM_001405718.1, NM_001405724.1); c.1814C>A, p.Thr605Lys (NM_001405720.1, NM_001405721.1); c.1691C>A, p.Thr564Lys (NM_001405725.1, NM_001405726.1, NM_001405727.1 and 1 more transcripts); c.1454C>A, p.Thr485Lys (NM_001405729.1); c.1610C>A, p.Thr537Lys (NM_001405730.1); and 5 more; short protein forms T385K, T485K, T537K, T564K, T605K, T630K, T664K, T682K.
Identifiers: ClinVar variation 3766209 (VCV003766209.1).

ClinVar aggregate classification (germline): Uncertain significance (1 of 4 stars; one submission).

Submission:

GeneDx
Classification: Uncertain significance. Last evaluated: 2024-08-24. Review status: criteria provided, single submitter. Criteria: GeneDx Variant Classification Process June 2021. Collection method: clinical testing. Allele origin: germline. Affected: yes.
Comment: Not observed at significant frequency in large population cohorts (gnomAD); In silico analysis supports that this missense variant has a deleterious effect on protein structure/function; Has not been previously published as pathogenic or benign to our knowledge